The following is an entry in ClinVar:

ClinVar aggregate classification (germline): Uncertain significance (1 of 4 stars; one submission).

Conditions:
Nephronophthisis. Also called: Juvenile Nephronophthisis. Identifiers: Orphanet 655, MedGen C0687120, MONDO:0019005, HP:0000090.

Allele frequency attached by ClinVar (database versions not stated): TOPMed below 0.00001; gnomAD 0.00001.
gnomAD v4.1: 1 of 1,613,246 alleles (0.000062%); highest among the groups gnomAD compares: Non-Finnish European, 0.000085%; no homozygotes.

Submission:

Labcorp Genetics (formerly Invitae), Labcorp
Classification: Uncertain significance for Nephronophthisis. Last evaluated: 2022-09-12. Review status: criteria provided, single submitter. Criteria: Invitae Variant Classification Sherloc (09022015). Collection method: clinical testing. Allele origin: germline.
Comment: In summary, the available evidence is currently insufficient to determine the role of this variant in disease. Therefore, it has been classified as a Variant of Uncertain Significance. Advanced modeling of protein sequence and biophysical properties (such as structural, functional, and spatial information, amino acid conservation, physicochemical variation, residue mobility, and thermodynamic stability) performed at Invitae indicates that this missense variant is not expected to disrupt IQCB1 protein function. ClinVar contains an entry for this variant (Variation ID: 1348544). This variant has not been reported in the literature in individuals affected with IQCB1-related conditions. This variant is not present in population databases (gnomAD no frequency). This sequence change replaces glutamine, which is neutral and polar, with histidine, which is basic and polar, at codon 123 of the IQCB1 protein (p.Gln123His).

NM_001023570.4(IQCB1):c.369A>C (p.Gln123His)

Gene: IQCB1 (IQ motif containing B1; minus strand). Cytogenetic location: 3q13.33.
Variant type: single nucleotide variant.
Coding change: c.369A>C on transcript NM_001023570.4 (MANE Select); coding-DNA position 369, A replaced by C.
Protein change: p.Gln123His; replaces glutamine 123 with histidine.
Molecular consequence: missense variant. On other transcripts: non-coding transcript variant (1).
Genome position (GRCh38, 1-based): chr3:121,826,075, T>G on the plus strand (A>C on the coding strand, the complement: IQCB1 is on the minus strand). VCF-style: chr3-121826075-T-G. GRCh37 (hg19) VCF-style: chr3-121544922-T-G.
Other names: c.369A>C, p.Gln123His (NM_001023571.4, NM_001319107.2); short protein forms Q123H.
Identifiers: ClinVar variation 1348544 (VCV001348544.6), dbSNP rs970350621, ClinGen allele CA82699882.
Genomic context (GRCh38, chr3:121,826,075, plus strand): 5'-ACTGATTTAGCTACAAAAGACTAAATAAACACATACCTTAGCTGCATTGATAAAACATGT[T>G]TGTAATTGTCTCCCCAAAACTAGAAAATTTTCTGCAGCTGATGGAAGTAATTCATTGTAA-3'
Protein context (NP_001018864.2, residues 113-133): ENFLVLGRQL[Gln123His]TCFINAAKAE